The following is an entry in ClinVar:

NM_002185.5(IL7R):c.214G>C (p.Glu72Gln)

Gene: IL7R (interleukin 7 receptor; plus strand). Cytogenetic location: 5p13.2.
Variant type: single nucleotide variant.
Coding change: c.214G>C on transcript NM_002185.5 (MANE Select); coding-DNA position 214, G replaced by C.
Protein change: p.Glu72Gln; replaces glutamic acid 72 with glutamine.
Molecular consequence: missense variant. On other transcripts: non-coding transcript variant (1).
Genome position (GRCh38, 1-based): chr5:35,860,983, G>C. VCF-style: chr5-35860983-G-C. GRCh37 (hg19) VCF-style: chr5-35861085-G-C.
Other names: short protein forms E72Q.
Identifiers: ClinVar variation 36390 (VCV000036390.20), dbSNP rs148001159, ClinGen allele CA214039.

ClinVar aggregate classification (germline): Uncertain significance. Review status: criteria provided, multiple submitters, no conflicts (2 of 4 stars). 6 submissions from 6 submitters: Uncertain significance (6). Last evaluated 2026-08-06.

Conditions:
Immunodeficiency 104. Also called: IMMUNODEFICIENCY 104, SEVERE COMBINED; Severe Combined Immune Deficiency, Autosomal Recessive, TCell -Negative, B Cell-Positive, NK Cell-Positive, IL7R-Related; Severe combined immunodeficiency, autosomal recessive, T cell-negative, B cell-positive, NK cell-positive; SCID, AUTOSOMAL RECESSIVE, T CELL-NEGATIVE, B CELL-POSITIVE, NK CELL-POSITIVE. Identifiers: MedGen C5676890, MONDO:0012163, OMIM 608971.

Allele frequency attached by ClinVar (database versions not stated): 1000 Genomes Project 30x 0.00016; 1000 Genomes Project 0.00020; gnomAD 0.00022 and 0.00038; gnomAD exomes 0.00024; TOPMed 0.00027; ESP Exome Variant Server 0.00062; ExAC 0.00026.

Submissions (6):

OLLIN Analises Genomicas, OLLIN
Classification: Uncertain significance for Immunodeficiency 104. Last evaluated: 2026-08-06. Review status: criteria provided, single submitter. Criteria: ACMG Guidelines 2015 PMID 25741868. Collection method: clinical testing. Allele origin: germline. Inheritance: Autosomal recessive inheritance.
Comment: This missense variant, located in exon 2 (of 8), has been reported in ClinVar (accession VCV000036390.18) and in gnomAD with an allele frequency of 0.033%. However, to our knowledge, it has not been reported in the scientific literature. In silico analysis is inconclusive regarding the impact of this variant. According to the currently available evidence, this variant has been classified as uncertain significance (PM2_P).

Women's Health and Genetics/Laboratory Corporation of America, LabCorp
Classification: Uncertain significance. Last evaluated: 2026-06-08. Review status: criteria provided, single submitter. Criteria: LabCorp Variant Classification Summary - May 2015. Collection method: clinical testing. Allele origin: germline.
Comment: Variant summary: IL7R c.214G>C (p.Glu72Gln) results in a conservative amino acid change located in the IL-7Ralpha, fibronectin type III domain (IPR040997) of the encoded protein sequence. Algorithms developed to predict the effect of missense changes on protein structure and function all suggest that this variant is likely to be tolerated. The variant allele was found at a frequency of 0.00024 in 251020 control chromosomes. This frequency is not significantly higher than estimated for disease-causing variants in IL7R, allowing no conclusion about variant significance. To our knowledge, no occurrence of c.214G>C in individuals affected with IL7R-related conditions and no experimental evidence demonstrating its impact on protein function have been reported. ClinVar contains an entry for this variant (Variation ID: 36390). Based on the evidence outlined above, the variant was classified as uncertain significance.

Labcorp Genetics (formerly Invitae), Labcorp
Classification: Uncertain significance for Immunodeficiency 104. Last evaluated: 2024-10-03. Review status: criteria provided, single submitter. Criteria: Invitae Variant Classification Sherloc (09022015). Collection method: clinical testing. Allele origin: germline.
Comment: This sequence change replaces glutamic acid, which is acidic and polar, with glutamine, which is neutral and polar, at codon 72 of the IL7R protein (p.Glu72Gln). This variant is present in population databases (rs148001159, gnomAD 0.04%). This variant has not been reported in the literature in individuals affected with IL7R-related conditions. ClinVar contains an entry for this variant (Variation ID: 36390). Invitae Evidence Modeling of protein sequence and biophysical properties (such as structural, functional, and spatial information, amino acid conservation, physicochemical variation, residue mobility, and thermodynamic stability) indicates that this missense variant is not expected to disrupt IL7R protein function with a negative predictive value of 95%. In summary, the available evidence is currently insufficient to determine the role of this variant in disease. Therefore, it has been classified as a Variant of Uncertain Significance.

Fulgent Genetics
Classification: Uncertain significance for Immunodeficiency 104. Last evaluated: 2022-05-05. Review status: criteria provided, single submitter. Criteria: ACMG Guidelines, 2015. Collection method: clinical testing. Allele origin: unknown.

Illumina Laboratory Services, Illumina
Classification: Uncertain significance for Immunodeficiency 104. Last evaluated: 2017-04-27. Review status: criteria provided, single submitter. Criteria: ICSL Variant Classification Criteria 13 December 2019. Collection method: clinical testing. Allele origin: germline.

Breakthrough Genomics
Classification: Uncertain significance. Review status: criteria provided, single submitter. Criteria: ACMG Guidelines, 2015. Collection method: not provided. Allele origin: germline. Inheritance: Autosomal recessive inheritance. Affected: yes.